The following is an entry in ClinVar:

NM_000268.4(NF2):c.1319T>C (p.Met440Thr)

Gene: NF2 (NF2, moesin-ezrin-radixin like (MERLIN) tumor suppressor; plus strand). Cytogenetic location: 22q12.2.
Variant type: single nucleotide variant.
Coding change: c.1319T>C on transcript NM_000268.4 (MANE Select); coding-DNA position 1319, T replaced by C.
Protein change: p.Met440Thr; replaces methionine 440 with threonine.
Molecular consequence: missense variant. On other transcripts: intron variant (1).
Genome position (GRCh38, 1-based): chr22:29,673,465, T>C. VCF-style: chr22-29673465-T-C. GRCh37 (hg19) VCF-style: chr22-30069454-T-C.
Other names: c.1205T>C, p.Met402Thr (NM_001407053.1, NM_001407056.1); c.1196T>C, p.Met399Thr (NM_001407054.1, NM_001407058.1, NM_181829.3); c.1193T>C, p.Met398Thr (NM_001407055.1, NM_181828.3); c.1184T>C, p.Met395Thr (NM_001407057.1, NM_001407059.1); c.1319T>C, p.Met440Thr (NM_001407060.1, NM_001407066.1, NM_016418.5 and 2 more transcripts); c.1061T>C, p.Met354Thr (NM_001407062.1); c.1070T>C, p.Met357Thr (NM_001407063.1, NM_001407064.1, NM_181830.3 and 1 more transcripts); c.785T>C, p.Met262Thr (NM_001407065.1); and 2 more; short protein forms M395T, M398T, M402T, M399T, M262T, M354T, M357T, M363T.
Identifiers: ClinVar variation 3919168 (VCV003919168.1).

ClinVar aggregate classification (germline): Uncertain significance (1 of 4 stars; one submission).

Conditions:
Hereditary cancer-predisposing syndrome. Also called: Hereditary Cancer Syndrome; Hereditary neoplastic syndrome; Neoplastic Syndromes, Hereditary; Tumor predisposition. Identifiers: Orphanet 140162, MedGen C0027672, MeSH D009386, MONDO:0015356.

gnomAD v4.1: 1 of 1,610,434 alleles (0.000062%); highest among the groups gnomAD compares: Admixed American, 0.0017%; no homozygotes.

Submission:

Ambry Genetics
Classification: Uncertain significance for Hereditary cancer-predisposing syndrome. Last evaluated: 2025-06-04. Review status: criteria provided, single submitter. Criteria: Ambry Variant Classification Scheme 2023. Collection method: clinical testing. Allele origin: germline.
Comment: The p.M440T variant (also known as c.1319T>C), located in coding exon 12 of the NF2 gene, results from a T to C substitution at nucleotide position 1319. The methionine at codon 440 is replaced by threonine, an amino acid with similar properties. This amino acid position is conserved. In addition, the in silico prediction for this alteration is inconclusive. Based on the available evidence, the clinical significance of this variant remains unclear.